The following is an entry in ClinVar:

ClinVar aggregate classification (germline): Uncertain significance. Review status: criteria provided, multiple submitters, no conflicts (2 of 4 stars). 5 submissions from 5 submitters: Uncertain significance (5). Last evaluated 2026-08-05.

Conditions:
Early-infantile DEE. Also called: Early infantile epileptic encephalopathy; Ohtahara syndrome; Early infantile epileptic encephalopathy with suppression bursts. Identifiers: Orphanet 1934, MedGen C0393706, MONDO:0800491.
Inborn genetic diseases. Identifiers: MedGen C0950123, MeSH D030342.

gnomAD v4.1: 1 of 1,613,812 alleles (0.000062%); highest among the groups gnomAD compares: Non-Finnish European, 0.000085%; no homozygotes.

Submissions (5):

GeneDx
Classification: Uncertain significance. Last evaluated: 2026-08-05. Review status: criteria provided, single submitter. Criteria: GeneDx Variant Classification Process June 2021. Collection method: clinical testing. Allele origin: germline.
Comment: Not observed at significant frequency in large population cohorts (gnomAD); In silico analysis supports that this missense variant has a deleterious effect on protein structure/function; Has not been previously published as pathogenic or benign to our knowledge; This substitution is predicted to be within the cytoplasmic loop between the second and third homologous domains

Labcorp Genetics (formerly Invitae), Labcorp
Classification: Uncertain significance for Early-infantile DEE. Last evaluated: 2024-01-23. Review status: criteria provided, single submitter. Criteria: Invitae Variant Classification Sherloc (09022015). Collection method: clinical testing. Allele origin: germline.
Comment: This sequence change replaces cysteine, which is neutral and slightly polar, with phenylalanine, which is neutral and non-polar, at codon 1061 of the SCN1A protein (p.Cys1061Phe). This variant is not present in population databases (gnomAD no frequency). This variant has not been reported in the literature in individuals affected with SCN1A-related conditions. ClinVar contains an entry for this variant (Variation ID: 1728556). Advanced modeling of protein sequence and biophysical properties (such as structural, functional, and spatial information, amino acid conservation, physicochemical variation, residue mobility, and thermodynamic stability) performed at Invitae indicates that this missense variant is not expected to disrupt SCN1A protein function with a negative predictive value of 95%. In summary, the available evidence is currently insufficient to determine the role of this variant in disease. Therefore, it has been classified as a Variant of Uncertain Significance.

Blueprint Genetics
Classification: Uncertain significance. Last evaluated: 2023-04-13. Review status: criteria provided, single submitter. Criteria: ACMG Guidelines, 2015. Collection method: clinical testing. Allele origin: germline.

Revvity Omics, Revvity
Classification: Uncertain significance. Last evaluated: 2021-02-16. Review status: criteria provided, single submitter. Criteria: ACMG Guidelines, 2015. Collection method: clinical testing. Allele origin: germline.

Ambry Genetics
Classification: Uncertain significance for Inborn genetic diseases. Last evaluated: 2018-08-03. Review status: criteria provided, single submitter. Criteria: Ambry Variant Classification Scheme 2023. Collection method: clinical testing. Allele origin: germline.
Comment: The p.C1061F variant (also known as c.3182G>T), located in coding exon 16 of the SCN1A gene, results from a G to T substitution at nucleotide position 3182. The cysteine at codon 1061 is replaced by phenylalanine, an amino acid with highly dissimilar properties. This amino acid position is well conserved in available vertebrate species. In addition, the in silico prediction for this alteration is inconclusive. Since supporting evidence is limited at this time, the clinical significance of this alteration remains unclear.

NM_001165963.4(SCN1A):c.3182G>T (p.Cys1061Phe)

Genes: SCN1A (sodium voltage-gated channel alpha subunit 1; minus strand), LOC102724058 (uncharacterized LOC102724058; plus strand). Cytogenetic location: 2q24.3.
Variant type: single nucleotide variant.
Coding change: c.3182G>T on transcript NM_001165963.4 (MANE Select); coding-DNA position 3182, G replaced by T.
Protein change: p.Cys1061Phe; replaces cysteine 1061 with phenylalanine.
Molecular consequence: missense variant. On other transcripts: non-coding transcript variant (2).
Genome position (GRCh38, 1-based): chr2:166,036,295, C>A on the plus strand (G>T on the coding strand, the complement: SCN1A is on the minus strand). VCF-style: chr2-166036295-C-A. GRCh37 (hg19) VCF-style: chr2-166892805-C-A.
Other names: c.3098G>T, p.Cys1033Phe (NM_001165964.3, NM_001353957.2, NM_001353958.2); c.3182G>T, p.Cys1061Phe (NM_001202435.3, NM_001353948.2); c.3149G>T, p.Cys1050Phe (NM_001353949.2, NM_001353950.2, NM_001353951.2 and 2 more transcripts); c.3146G>T, p.Cys1049Phe (NM_001353954.2, NM_001353955.2); c.3095G>T, p.Cys1032Phe (NM_001353960.2); c.740G>T, p.Cys247Phe (NM_001353961.2); short protein forms C1049F, C1050F, C1061F, C1032F, C1033F, C247F.
Identifiers: ClinVar variation 1728556 (VCV001728556.11), dbSNP rs1696356533, ClinGen allele CA349059631.